The following is an entry in ClinVar:

ClinVar aggregate classification (germline): Uncertain significance (1 of 4 stars; one submission).

Conditions:
Autosomal dominant childhood-onset proximal spinal muscular atrophy with contractures (SMALED2A). Also called: SPINAL MUSCULAR ATROPHY, LOWER EXTREMITY-PREDOMINANT, 2A, CHILDHOOD ONSET, AUTOSOMAL DOMINANT; Spinal muscular atrophy, lower extremity-predominant, 2A, autosomal dominant. Identifiers: Orphanet 363447, Orphanet 363454, MedGen C4747715, MONDO:0014121, OMIM 615290.

Allele frequency attached by ClinVar (database versions not stated): gnomAD exomes below 0.00001; TOPMed below 0.00001.
gnomAD v4.1: 3 of 1,601,878 alleles (0.00019%); highest among the groups gnomAD compares: Non-Finnish European, 0.00026%; no homozygotes.

Submission:

Labcorp Genetics (formerly Invitae), Labcorp
Classification: Uncertain significance for Autosomal dominant childhood-onset proximal spinal muscular atrophy with contractures. Last evaluated: 2021-12-31. Review status: criteria provided, single submitter. Criteria: Invitae Variant Classification Sherloc (09022015). Collection method: clinical testing. Allele origin: germline.
Comment: Advanced modeling of protein sequence and biophysical properties (such as structural, functional, and spatial information, amino acid conservation, physicochemical variation, residue mobility, and thermodynamic stability) performed at Invitae indicates that this missense variant is not expected to disrupt BICD2 protein function. This variant has not been reported in the literature in individuals affected with BICD2-related conditions. The frequency data for this variant in the population databases is considered unreliable, as metrics indicate poor data quality at this position in the gnomAD database. This sequence change replaces arginine, which is basic and polar, with glutamine, which is neutral and polar, at codon 357 of the BICD2 protein (p.Arg357Gln). In summary, the available evidence is currently insufficient to determine the role of this variant in disease. Therefore, it has been classified as a Variant of Uncertain Significance.

NM_001003800.2(BICD2):c.1070G>A (p.Arg357Gln)

Gene: BICD2 (BICD cargo adaptor 2; minus strand). Cytogenetic location: 9q22.31.
Variant type: single nucleotide variant.
Coding change: c.1070G>A on transcript NM_001003800.2 (MANE Select); coding-DNA position 1070, G replaced by A.
Protein change: p.Arg357Gln; replaces arginine 357 with glutamine.
Molecular consequence: missense variant.
Genome position (GRCh38, 1-based): chr9:92,719,575, C>T on the plus strand (G>A on the coding strand, the complement: BICD2 is on the minus strand). VCF-style: chr9-92719575-C-T. GRCh37 (hg19) VCF-style: chr9-95481857-C-T.
Other names: c.1070G>A, p.Arg357Gln (NM_015250.4); short protein forms R357Q.
Identifiers: ClinVar variation 2055086 (VCV002055086.4), dbSNP rs867638753, ClinGen allele CA196341232.